The following is an entry in ClinVar:

NM_001360.3(DHCR7):c.1031del (p.Gly344fs)

Gene: DHCR7 (7-dehydrocholesterol reductase; minus strand). Cytogenetic location: 11q13.4.
Variant type: Deletion.
Coding change: c.1031del on transcript NM_001360.3 (MANE Select); coding-DNA position 1031, one base deleted (G; older notation c.1031delG).
Protein change: p.Gly344fs; shifts the reading frame from glycine 344.
Molecular consequence: frameshift variant.
Genome position (GRCh38, 1-based): chr11:71,435,772, C deleted on the plus strand (G on the coding strand, the reverse complement: DHCR7 is on the minus strand); the first of 3 consecutive C bases (chr11:71,435,772-71,435,774); deleting any one gives the same sequence. VCF-style (leftmost placement, unchanged base first): chr11-71435771-GC-G. GRCh37 (hg19) VCF-style: chr11-71146817-GC-G.
Other names: c.1067delG, p.Ala357Profs (NM_001425116.1); c.855delG, p.Gly286Alafs (NM_001425117.1); c.*151delG (NM_001425119.1); c.1031del, p.Gly344fs (NM_001163817.2); c.1080delG, p.Gly361Alafs (NM_001425107.1); c.1065delG, p.Gly356Alafs (NM_001425108.1); c.1029delG, p.Gly344Alafs (NM_001425109.1, NM_001425110.1, NM_001425111.1); c.1163delG, p.Ala389Profs (NM_001425112.1); and 2 more; short protein forms G344fs.
Identifiers: ClinVar variation 2705375 (VCV002705375.3), dbSNP rs2539210287, ClinGen allele CA2697548785.
Genomic context (GRCh38, chr11:71,435,771, plus strand): 5'-CGTGCGGCGGAACAGGTCCTTCTGGTGGTTGGCCACCCGGAAGATGTAGTAGCCCACCAG[GC>G]CCAGCAGCAGGACGCCCACGGCGTGCGGGGTGGACAGCTGCACGGGGTGGTACACCAAGT-3'

ClinVar aggregate classification (germline): Pathogenic (1 of 4 stars; one submission).

Conditions:
Smith-Lemli-Opitz syndrome (SLOS). Also called: LETHAL ACRODYSGENITAL SYNDROME; POLYDACTYLY, SEX REVERSAL, RENAL HYPOPLASIA, AND UNILOBAR LUNG; RSH SYNDROME; RUTLEDGE LETHAL MULTIPLE CONGENITAL ANOMALY SYNDROME; 7-Dehydrocholesterol reductase deficiency. Identifiers: Orphanet 818, MedGen C0175694, MONDO:0010035, OMIM 270400.

Submission:

Labcorp Genetics (formerly Invitae), Labcorp
Classification: Pathogenic for Smith-Lemli-Opitz syndrome. Last evaluated: 2023-06-17. Review status: criteria provided, single submitter. Criteria: Invitae Variant Classification Sherloc (09022015). Collection method: clinical testing. Allele origin: germline.
Comment: For these reasons, this variant has been classified as Pathogenic. This variant disrupts a region of the DHCR7 protein in which other variant(s) (p.Phe475Ser) have been determined to be pathogenic (PMID: 15776424). This suggests that this is a clinically significant region of the protein, and that variants that disrupt it are likely to be disease-causing. This variant has not been reported in the literature in individuals affected with DHCR7-related conditions. This variant is not present in population databases (gnomAD no frequency). This sequence change creates a premature translational stop signal (p.Gly344Alafs*69) in the DHCR7 gene. While this is not anticipated to result in nonsense mediated decay, it is expected to disrupt the last 132 amino acid(s) of the DHCR7 protein.

Literature cited by the submitters: PubMed 15776424.